The following is an entry in ClinVar:

ClinVar aggregate classification (germline): Conflicting classifications of pathogenicity. Review status: criteria provided, conflicting classifications (1 of 4 stars). 4 submissions from 4 submitters: Uncertain significance (3); Benign (1). Last evaluated 2025-11-16.

Conditions:
Cardiovascular phenotype. Identifiers: MedGen CN230736.
Familial hypobetalipoproteinemia 1. Also called: Hypobetalipoproteinemia, normotriglyceridemic; Acanthocytosis with hypobetalipoproteinemia; APOB-Related Familial Hypobetalipoproteinemia. Identifiers: MedGen C4551990, MONDO:0014252, OMIM 615558.
Hypercholesterolemia, autosomal dominant, type B (FHCL2). Also called: Familial Hypercholesterolemia Type B; HYPERCHOLESTEROLEMIA, FAMILIAL, DUE TO LIGAND-DEFECTIVE APOLIPOPROTEIN B; Familial hypercholesterolemia 2; APOB-Related Familial Hypercholesterolemia, Autosomal Dominant; APOLIPOPROTEIN B-100, FAMILIAL DEFECTIVE; APOLIPOPROTEIN B-100, FAMILIAL LIGAND-DEFECTIVE. Identifiers: MedGen C1704417, MONDO:0007751, OMIM 144010.

Allele frequency attached by ClinVar (database versions not stated): gnomAD exomes below 0.00001 and 0.00001; ExAC 0.00001; TOPMed 0.00010; gnomAD 0.00011 and 0.00012; ESP Exome Variant Server 0.00015.

Submissions (4):

Labcorp Genetics (formerly Invitae), Labcorp
Classification: Benign for Familial hypobetalipoproteinemia 1; Hypercholesterolemia, autosomal dominant, type B. Last evaluated: 2025-11-16. Review status: criteria provided, single submitter. Criteria: Invitae Variant Classification Sherloc (09022015). Collection method: clinical testing. Allele origin: germline.

Ambry Genetics
Classification: Uncertain significance for Cardiovascular phenotype. Last evaluated: 2025-10-30. Review status: criteria provided, single submitter. Criteria: Ambry Variant Classification Scheme 2023. Collection method: clinical testing. Allele origin: germline.
Comment: The p.G1812W variant (also known as c.5434G>T), located in coding exon 26 of the APOB gene, results from a G to T substitution at nucleotide position 5434. The glycine at codon 1812 is replaced by tryptophan, an amino acid with highly dissimilar properties. This amino acid position is not well conserved in available vertebrate species. In addition, this alteration is predicted to be tolerated by in silico analysis. Based on the available evidence, the clinical significance of this variant remains unclear.

GeneDx
Classification: Uncertain significance. Last evaluated: 2025-03-24. Review status: criteria provided, single submitter. Criteria: GeneDx Variant Classification Process June 2021. Collection method: clinical testing. Allele origin: germline. Affected: yes.
Comment: In silico analysis supports that this missense variant has a deleterious effect on protein structure/function; Has not been previously published as pathogenic or benign to our knowledge

Fulgent Genetics
Classification: Uncertain significance for Hypercholesterolemia, autosomal dominant, type B; Familial hypobetalipoproteinemia 1. Last evaluated: 2021-07-30. Review status: criteria provided, single submitter. Criteria: ACMG Guidelines, 2015. Collection method: clinical testing. Allele origin: unknown.

NM_000384.3(APOB):c.5434G>T (p.Gly1812Trp)

Gene: APOB (apolipoprotein B; minus strand). Cytogenetic location: 2p24.1.
Variant type: single nucleotide variant.
Coding change: c.5434G>T on transcript NM_000384.3 (MANE Select); coding-DNA position 5434, G replaced by T.
Protein change: p.Gly1812Trp; replaces glycine 1812 with tryptophan.
Molecular consequence: missense variant.
Genome position (GRCh38, 1-based): chr2:21,011,434, C>A on the plus strand (G>T on the coding strand, the complement: APOB is on the minus strand). VCF-style: chr2-21011434-C-A. GRCh37 (hg19) VCF-style: chr2-21234306-C-A.
Other names: short protein forms G1812W.
Identifiers: ClinVar variation 918759 (VCV000918759.9), dbSNP rs140174653, ClinGen allele CA062088.